The following is an entry in ClinVar:

NM_003896.4(ST3GAL5):c.762A>C (p.Glu254Asp)

Gene: ST3GAL5 (ST3 beta-galactoside alpha-2,3-sialyltransferase 5; minus strand). Cytogenetic location: 2p11.2.
Variant type: single nucleotide variant.
Coding change: c.762A>C on transcript NM_003896.4 (MANE Select); coding-DNA position 762, A replaced by C.
Protein change: p.Glu254Asp; replaces glutamic acid 254 with aspartic acid.
Molecular consequence: missense variant.
Genome position (GRCh38, 1-based): chr2:85,846,464, T>G on the plus strand (A>C on the coding strand, the complement: ST3GAL5 is on the minus strand). VCF-style: chr2-85846464-T-G. GRCh37 (hg19) VCF-style: chr2-86073587-T-G.
Other names: c.693A>C, p.Glu231Asp (NM_001042437.2); c.378A>C, p.Glu126Asp (NM_001354223.2, NM_001354224.2, NM_001354226.2 and 3 more transcripts); c.678A>C, p.Glu226Asp (NM_001354227.2, NM_001354229.2, NM_001354238.1); c.39A>C, p.Glu13Asp (NM_001354247.1); c.762A>C, p.Glu254Asp (NM_001363847.1); short protein forms E254D, E13D, E231D, E126D, E226D.
Identifiers: ClinVar variation 568598 (VCV000568598.7), dbSNP rs1191405507, ClinGen allele CA347531010.
Genomic context (GRCh38, chr2:85,846,464, plus strand): 5'-AAGCCAGTTGAAATCAACACTCTTAAATAAAACAGCAACAAATAAGTCATTGGAATAATA[T>G]TCAAGGTCAGACAGTGGTGCGCCCTCTGGATAAGTCATCCTTATAGTAGTTTTATTTCCA-3'
Protein context (NP_003887.3, residues 244-264): YPEGAPLSDL[Glu254Asp]YYSNDLFVAV

ClinVar aggregate classification (germline): Conflicting classifications of pathogenicity. Review status: criteria provided, conflicting classifications (1 of 4 stars). 2 submissions from 2 submitters: Uncertain significance (1); Likely benign (1). Last evaluated 2026-04-01.

Conditions:
Inborn genetic diseases. Identifiers: MedGen C0950123, MeSH D030342.
GM3 synthase deficiency (SPDRS). Also called: SALT AND PEPPER DEVELOPMENTAL REGRESSION SYNDROME; AMISH INFANTILE EPILEPSY SYNDROME; SALT AND PEPPER MENTAL RETARDATION SYNDROME. Identifiers: Orphanet 171714, Orphanet 370933, MedGen C1836824, MONDO:0018274, OMIM 609056.

Allele frequency attached by ClinVar (database versions not stated): gnomAD exomes below 0.00001; gnomAD 0.00001.
gnomAD v4.1: 4 of 1,614,074 alleles (0.00025%); highest among the groups gnomAD compares: African/African-American, 0.0053%; no homozygotes.

Submissions (2):

Ambry Genetics
Classification: Likely benign for Inborn genetic diseases. Last evaluated: 2026-04-01. Review status: criteria provided, single submitter. Criteria: Ambry Variant Classification Scheme 2023. Collection method: clinical testing. Allele origin: germline.

Labcorp Genetics (formerly Invitae), Labcorp
Classification: Uncertain significance for GM3 synthase deficiency. Last evaluated: 2022-05-28. Review status: criteria provided, single submitter. Criteria: Invitae Variant Classification Sherloc (09022015). Collection method: clinical testing. Allele origin: germline.
Comment: This sequence change replaces glutamic acid, which is acidic and polar, with aspartic acid, which is acidic and polar, at codon 254 of the ST3GAL5 protein (p.Glu254Asp). This variant is present in population databases (no rsID available, gnomAD 0.01%). This variant has not been reported in the literature in individuals affected with ST3GAL5-related conditions. ClinVar contains an entry for this variant (Variation ID: 568598). Algorithms developed to predict the effect of missense changes on protein structure and function output the following: SIFT: "Tolerated"; PolyPhen-2: "Benign"; Align-GVGD: "Class C0". The aspartic acid amino acid residue is found in multiple mammalian species, which suggests that this missense change does not adversely affect protein function. In summary, the available evidence is currently insufficient to determine the role of this variant in disease. Therefore, it has been classified as a Variant of Uncertain Significance.